The following is an entry in ClinVar:

NM_006231.4(POLE):c.6445C>T (p.Arg2149Cys)

Gene: POLE (DNA polymerase epsilon, catalytic subunit; minus strand). Cytogenetic location: 12q24.33.
Variant type: single nucleotide variant.
Coding change: c.6445C>T on transcript NM_006231.4 (MANE Select); coding-DNA position 6445, C replaced by T.
Protein change: p.Arg2149Cys; replaces arginine 2149 with cysteine.
Molecular consequence: missense variant.
Genome position (GRCh38, 1-based): chr12:132,626,203, G>A on the plus strand (C>T on the coding strand, the complement: POLE is on the minus strand). VCF-style: chr12-132626203-G-A. GRCh37 (hg19) VCF-style: chr12-133202789-G-A.
Other names: p.Arg2149Cys; c.6445C>T (NM_006231.2); short protein forms R2149C.
Identifiers: ClinVar variation 405704 (VCV000405704.62), dbSNP rs771490182, ClinGen allele CA6892177.

ClinVar aggregate classification (germline): Conflicting classifications of pathogenicity. Review status: criteria provided, conflicting classifications (1 of 4 stars). 12 submissions from 12 submitters: Uncertain significance (9); Likely benign (3). Last evaluated 2026-02-03.

Conditions:
Polymerase proofreading-related adenomatous polyposis. Also called: Polymerase proofreading associated polyposis; Polymerase proofreading–associated polyposis (PPAP). Identifiers: Orphanet 447877, MedGen C5202613, MONDO:0018653.
Familial colorectal cancer type X. Identifiers: Orphanet 440437, MedGen C3896578, MONDO:0018604.
Facial dysmorphism-immunodeficiency-livedo-short stature syndrome. Also called: Facial dysmorphism, immunodeficiency, livedo, and short stature; FILS syndrome. Identifiers: Orphanet 352712, MedGen C3554576, MONDO:0014058, OMIM 615139.
Colorectal cancer, susceptibility to, 12 (CRCS12). Also called: COLORECTAL CANCER, SUSCEPTIBILITY TO, ON CHROMOSOME 12q24. Identifiers: Orphanet 220460, MedGen C3554460, MONDO:0014038, OMIM 615083.
Familial colorectal cancer. Identifiers: MedGen CN280943, MONDO:0023113. Disease mechanism: loss of function.
Hereditary cancer-predisposing syndrome. Also called: Neoplastic Syndromes, Hereditary; Hereditary neoplastic syndrome; Tumor predisposition; Hereditary Cancer Syndrome. Identifiers: Orphanet 140162, MedGen C0027672, MeSH D009386, MONDO:0015356.

Allele frequency attached by ClinVar (database versions not stated): gnomAD 0.00004 and 0.00005; TOPMed 0.00005; gnomAD exomes 0.00007 and 0.00010; ExAC 0.00011.
gnomAD v4.1: 106 of 1,613,790 alleles (0.0066%); highest among the groups gnomAD compares: South Asian, 0.043%; no homozygotes.

Submissions (12):

Labcorp Genetics (formerly Invitae), Labcorp
Classification: Likely benign. Last evaluated: 2026-02-03. Review status: criteria provided, single submitter. Criteria: Invitae Variant Classification Sherloc (09022015). Collection method: clinical testing. Allele origin: germline.

Laboratorio de I+D, Fundación Centro Médico de Asturias
Classification: Likely benign for Hereditary cancer-predisposing syndrome. Last evaluated: 2025-07-13. Review status: criteria provided, single submitter. Criteria: ACMG Guidelines, 2015. Collection method: clinical testing. Allele origin: germline.
Comment: BP4_Strong+BP1_Supporting+PM2_Supporting

Center for Genomic Medicine, Rigshospitalet, Copenhagen University Hospital
Classification: Uncertain significance. Last evaluated: 2025-03-04. Review status: criteria provided, single submitter. Criteria: ACMG Guidelines, 2015. Collection method: clinical testing. Allele origin: germline.

Ambry Genetics
Classification: Likely benign for Hereditary cancer-predisposing syndrome. Last evaluated: 2024-07-30. Review status: criteria provided, single submitter. Criteria: Ambry Variant Classification Scheme 2023. Collection method: clinical testing. Allele origin: germline.

Department of Pathology and Laboratory Medicine, Sinai Health System
Classification: Uncertain significance for Polymerase proofreading-related adenomatous polyposis; Familial colorectal cancer type X. Last evaluated: 2024-03-21. Review status: criteria provided, single submitter. Criteria: ACMG Guidelines, 2015. Collection method: clinical testing. Allele origin: germline. Affected: yes.

KCCC/NGS Laboratory, Kuwait Cancer Control Center
Classification: Uncertain significance for Colorectal cancer, susceptibility to, 12. Last evaluated: 2023-07-07. Review status: criteria provided, single submitter. Criteria: ACMG Guidelines, 2015. Collection method: clinical testing. Allele origin: unknown. Affected: yes.
Comment: A variant of uncertain significance was detected at POLE gene (c.6445C>T). This sequence change replaces arginine with cysteine at codon 2149 of the POLE protein (p.Arg2149Cys). The arginine residue is weakly conserved and there is a large physicochemical difference between arginine and cysteine. This variant is present in population databases (rs771490182, ExAC 0.07%), and has an allele count higher than expected for a pathogenic variant (PMID: 28166811). This variant has not been reported in the literature in individuals with POLE-related disease. ClinVar contains an entry for this variant (Variation ID: 405704). In-silico predictions show benign computational verdict based on 8 benign predictions from BayesDel_addAF, DEOGEN2, EIGEN, M-CAP, MVP, MutationAssessor, PrimateAI and SIFT vs 4 pathogenic predictions from DANN, FATHMM-MKL, LIST-S2 and MutationTaster but these predictions have not been confirmed by published functional studies and their clinical significance is uncertain. Therefore, it has been classified as a Variant of Uncertain Significance.

St. Jude Molecular Pathology, St. Jude Children's Research Hospital
Classification: Uncertain significance for Colorectal cancer, susceptibility to, 12. Last evaluated: 2022-10-03. Review status: criteria provided, single submitter. Criteria: St. Jude Assertion Criteria 2020. Collection method: clinical testing. Allele origin: germline.
Comment: The POLE c.6445C>T (p.Arg2149Cys) missense change has a maximum subpopulation frequency of 0.059% in gnomAD v2.1.1. The in silico tool REVEL predicts a benign effect on protein function, but to our knowledge this prediction has not been confirmed by functional studies. To our knowledge, this variant has not been reported in the literature in individuals with POLE-related disease. In summary, the evidence currently available is insufficient to determine the clinical significance of this variant. It has therefore been classified as of uncertain significance.

GeneDx
Classification: Uncertain significance. Last evaluated: 2021-01-26. Review status: criteria provided, single submitter. Criteria: GeneDx Variant Classification Process June 2021. Collection method: clinical testing. Allele origin: germline. Affected: yes.
Comment: In silico analysis supports that this missense variant does not alter protein structure/function; Has not been previously published as pathogenic or benign to our knowledge

CeGaT Center for Human Genetics Tuebingen
Classification: Uncertain significance. Last evaluated: 2018-12-01. Review status: criteria provided, single submitter. Criteria: CeGaT Center For Human Genetics Tuebingen Variant Classification Criteria Version 2. Collection method: clinical testing. Allele origin: germline. Affected: yes. Observed: 1 variant allele.

Fulgent Genetics
Classification: Uncertain significance for Colorectal cancer, susceptibility to, 12; Facial dysmorphism-immunodeficiency-livedo-short stature syndrome. Last evaluated: 2018-10-31. Review status: criteria provided, single submitter. Criteria: ACMG Guidelines, 2015. Collection method: clinical testing. Allele origin: unknown.

Mendelics
Classification: Uncertain significance for Familial colorectal cancer. Last evaluated: 2018-07-02. Review status: criteria provided, single submitter. Criteria: Mendelics Assertion Criteria 2017. Collection method: clinical testing. Allele origin: unknown.

Foundation for Research in Genetics and Endocrinology, FRIGE's Institute of Human Genetics
Classification: Uncertain significance for Polymerase proofreading-related adenomatous polyposis. Review status: criteria provided, single submitter. Criteria: ACMG Guidelines, 2015. Collection method: clinical testing. Allele origin: germline. Inheritance: Autosomal dominant inheritance. Affected: yes. Observed: 1 heterozygote.
Comment: A heterozygous missense variation in exon 46 of the POLE gene that results in the amino acid substitution of Cystine for Arginine at codon 2149 was detected. The observed variant c.6445C>T (p.Arg2149Cys) not been reported in 1000 genomes and has MAF of 0.01% in gnomAD databases. The in silico prediction of the variant is disease causing by MutationTaster2 and CADD. The reference codon is conserved across species. In summary, the variant meets our criteria to be classified as a variant of uncertain significance.